The following is an entry in ClinVar:

ClinVar aggregate classification (germline): Benign/Likely benign. Review status: criteria provided, multiple submitters, no conflicts (2 of 4 stars). 11 submissions from 11 submitters: Benign (6); Likely benign (1). 4 of the submissions do not count toward it. Last evaluated 2026-02-02.

Conditions:
Autosomal dominant Parkinson disease 8. Also called: LRRK2-Related Parkinson Disease; Parkinson disease 8; Parkinson disease 8, susceptibility to. Identifiers: Orphanet 411602, MedGen C1846862, MONDO:0011764, OMIM 607060.

Allele frequency attached by ClinVar (database versions not stated): ESP Exome Variant Server 0.09288; 1000 Genomes Project 0.10044; 1000 Genomes Project 30x 0.10072; TOPMed 0.10818.
gnomAD v4.1: 121,112 of 1,612,476 alleles (7.5%); highest among the groups gnomAD compares: Admixed American, 15%; 5,310 homozygotes.

Submissions (11):

Labcorp Genetics (formerly Invitae), Labcorp
Classification: Benign for Autosomal dominant Parkinson disease 8. Last evaluated: 2026-02-02. Review status: criteria provided, single submitter. Criteria: Invitae Variant Classification Sherloc (09022015). Collection method: clinical testing. Allele origin: germline.

Blueprint Genetics
Classification: Benign. Last evaluated: 2024-11-27. Review status: criteria provided, single submitter. Criteria: ACMG Guidelines, 2015. Collection method: clinical testing. Allele origin: germline.

Mayo Clinic Laboratories, Mayo Clinic
Classification: Benign. Last evaluated: 2023-02-22. Review status: criteria provided, single submitter. Criteria: ACMG Guidelines, 2015. Collection method: clinical testing. Allele origin: germline. Observed: 87 variant alleles.
Comment: BA1

Fulgent Genetics
Classification: Likely benign for Autosomal dominant Parkinson disease 8. Last evaluated: 2021-08-05. Review status: criteria provided, single submitter. Criteria: ACMG Guidelines, 2015. Collection method: clinical testing. Allele origin: unknown.

GeneDx
Classification: Benign. Last evaluated: 2018-07-05. Review status: criteria provided, single submitter. Criteria: GeneDx Variant Classification Process June 2021. Collection method: clinical testing. Allele origin: germline. Affected: yes.
Comment: This variant is associated with the following publications: (PMID: 31487119, 29321258, 27013965, 28103901, 20186690, 23962496, 23913756, 20721913)

Illumina Laboratory Services, Illumina
Classification: Benign for Autosomal dominant Parkinson disease 8. Last evaluated: 2018-03-06. Review status: criteria provided, single submitter. Criteria: ICSL Variant Classification Criteria 13 December 2019. Collection method: clinical testing. Allele origin: germline.
Comment: This variant was observed in the ICSL laboratory as part of a predisposition screen in an ostensibly healthy population. It had not been previously curated by ICSL or reported in the Human Gene Mutation Database (HGMD: prior to June 1st, 2018), and was therefore a candidate for classification through an automated scoring system. Utilizing variant allele frequency, disease prevalence and penetrance estimates, and inheritance mode, an automated score was calculated to assess if this variant is too frequent to cause the disease. Based on the score and internal cut-off values, a variant classified as benign is not then subjected to further curation. The score for this variant resulted in a classification of benign for this disease.

Breakthrough Genomics
Classification: Benign. Review status: criteria provided, single submitter. Criteria: ACMG Guidelines, 2015. Collection method: not provided. Allele origin: germline. Inheritance: Autosomal dominant inheritance. Affected: yes.

Clinical Genetics DNA and cytogenetics Diagnostics Lab, Erasmus MC, Erasmus Medical Center
Classification: Benign. Review status: no assertion criteria provided. Collection method: clinical testing. Allele origin: germline. Affected: yes. Study: VKGL Data-share Consensus. Not counted in ClinVar's aggregate classification.

GeneReviews
No classification provided. Condition: Autosomal dominant Parkinson disease 8. Review status: no classification provided. Collection method: literature only. Allele origin: unknown. Not counted in ClinVar's aggregate classification.

Genome Diagnostics Laboratory, Amsterdam University Medical Center
Classification: Likely benign. Review status: no assertion criteria provided. Collection method: clinical testing. Allele origin: germline. Affected: yes. Study: VKGL Data-share Consensus. Not counted in ClinVar's aggregate classification.

Joint Genome Diagnostic Labs from Nijmegen and Maastricht, Radboudumc and MUMC+
Classification: Benign. Review status: no assertion criteria provided. Collection method: clinical testing. Allele origin: germline. Affected: yes. Study: VKGL Data-share Consensus. Not counted in ClinVar's aggregate classification.

Literature cited by the submitters: PubMed 20186690 (cited by Mayo Clinic Laboratories, Mayo Clinic); PubMed 28103901 (cited by Mayo Clinic Laboratories, Mayo Clinic); PubMed 31487119 (cited by Mayo Clinic Laboratories, Mayo Clinic); PubMed 20301387 (cited by GeneReviews); NCBI Bookshelf NBK1208 (cited by GeneReviews).

NM_198578.4(LRRK2):c.4193G>A (p.Arg1398His)

Gene: LRRK2 (leucine rich repeat kinase 2; plus strand). Cytogenetic location: 12q12.
Variant type: single nucleotide variant.
Coding change: c.4193G>A on transcript NM_198578.4 (MANE Select); coding-DNA position 4193, G replaced by A.
Protein change: p.Arg1398His; replaces arginine 1398 with histidine.
Molecular consequence: missense variant.
Genome position (GRCh38, 1-based): chr12:40,309,109, G>A. VCF-style: chr12-40309109-G-A. GRCh37 (hg19) VCF-style: chr12-40702911-G-A.
Other names: short protein forms R1398H.
Identifiers: ClinVar variation 39178 (VCV000039178.24), dbSNP rs7133914, ClinGen allele CA343567.